The following is an entry in ClinVar:

ClinVar aggregate classification (germline): Uncertain significance (1 of 4 stars; one submission).

Conditions:
TNPO2-related disorder. Also called: TNPO2-related condition.

Allele frequency attached by ClinVar (database versions not stated): gnomAD exomes below 0.00001.
gnomAD v4.1: 1 of 1,614,044 alleles (0.000062%); highest among the groups gnomAD compares: Non-Finnish European, 0.000085%; no homozygotes.

Submission:

PreventionGenetics, part of Exact Sciences
Classification: Uncertain significance for TNPO2-related condition. Last evaluated: 2022-09-14. Review status: criteria provided, single submitter. Criteria: ACMG Guidelines, 2015. Collection method: clinical testing. Allele origin: germline.
Comment: The TNPO2 c.1068G>C variant is predicted to result in the amino acid substitution p.Glu356Asp. To our knowledge, this variant has not been reported in the literature or in a large population database, indicating this variant is rare. At this time, the clinical significance of this variant is uncertain due to the absence of conclusive functional and genetic evidence.

NM_001382241.1(TNPO2):c.1068G>C (p.Glu356Asp)

Gene: TNPO2 (transportin 2; minus strand). Cytogenetic location: 19p13.13.
Variant type: single nucleotide variant.
Coding change: c.1068G>C on transcript NM_001382241.1 (MANE Select); coding-DNA position 1068, G replaced by C.
Protein change: p.Glu356Asp; replaces glutamic acid 356 with aspartic acid.
Molecular consequence: missense variant. On other transcripts: non-coding transcript variant (5).
Genome position (GRCh38, 1-based): chr19:12,711,345, C>G on the plus strand (G>C on the coding strand, the complement: TNPO2 is on the minus strand). VCF-style: chr19-12711345-C-G. GRCh37 (hg19) VCF-style: chr19-12822159-C-G.
Other names: c.1068G>C, p.Glu356Asp (NM_001136195.2, NM_001136196.2, NM_001382236.1 and 7 more transcripts); short protein forms E356D.
Identifiers: ClinVar variation 2637089 (VCV002637089.1), dbSNP rs2512686578, ClinGen allele CA404246229.